The following is an entry in ClinVar:

NM_001042702.5(PJVK):c.623C>T (p.Ala208Val)

Gene: PJVK (pejvakin; plus strand). Cytogenetic location: 2q31.2.
Variant type: single nucleotide variant.
Coding change: c.623C>T on transcript NM_001042702.5 (MANE Select); coding-DNA position 623, C replaced by T.
Protein change: p.Ala208Val; replaces alanine 208 with valine.
Molecular consequence: missense variant.
Genome position (GRCh38, 1-based): chr2:178,458,583, C>T. VCF-style: chr2-178458583-C-T. GRCh37 (hg19) VCF-style: chr2-179323310-C-T.
Other names: c.632C>T, p.Ala211Val (NM_001353775.2); c.728C>T, p.Ala243Val (NM_001353776.2); c.146C>T, p.Ala49Val (NM_001353777.1, NM_001353778.2); c.623C>T, p.Ala208Val (NM_001369912.1); short protein forms A208V, A211V, A243V, A49V.
Identifiers: ClinVar variation 2571103 (VCV002571103.27), dbSNP rs2468724154, ClinGen allele CA349400434.

ClinVar aggregate classification (germline): Uncertain significance (1 of 4 stars; one submission).

Submission:

CeGaT Center for Human Genetics Tuebingen
Classification: Uncertain significance. Last evaluated: 2023-08-01. Review status: criteria provided, single submitter. Criteria: CeGaT Center For Human Genetics Tuebingen Variant Classification Criteria Version 2. Collection method: clinical testing. Allele origin: germline. Affected: yes. Observed: 3 variant alleles.
Comment: PJVK: PM2, PM3:Supporting